The following is an entry in ClinVar:

ClinVar aggregate classification (germline): Uncertain significance (1 of 4 stars; one submission).

Conditions:
2-aminoadipic 2-oxoadipic aciduria (AAKAD). Also called: Aminoadipic aciduria; ALPHA-AMINOADIPIC AND ALPHA-KETOADIPIC ACIDURIA. Identifiers: Orphanet 79154, MedGen C1859817, MONDO:0008774, OMIM 204750.

Submission:

Labcorp Genetics (formerly Invitae), Labcorp
Classification: Uncertain significance for 2-aminoadipic 2-oxoadipic aciduria. Last evaluated: 2024-11-15. Review status: criteria provided, single submitter. Criteria: Invitae Variant Classification Sherloc (09022015). Collection method: clinical testing. Allele origin: germline.
Comment: This sequence change replaces arginine, which is basic and polar, with serine, which is neutral and polar, at codon 431 of the DHTKD1 protein (p.Arg431Ser). This variant is not present in population databases (gnomAD no frequency). This variant has not been reported in the literature in individuals affected with DHTKD1-related conditions. Invitae Evidence Modeling of protein sequence and biophysical properties (such as structural, functional, and spatial information, amino acid conservation, physicochemical variation, residue mobility, and thermodynamic stability) indicates that this missense variant is expected to disrupt DHTKD1 protein function with a positive predictive value of 80%. In summary, the available evidence is currently insufficient to determine the role of this variant in disease. Therefore, it has been classified as a Variant of Uncertain Significance.

NM_018706.7(DHTKD1):c.1293G>C (p.Arg431Ser)

Gene: DHTKD1 (dehydrogenase E1 and transketolase domain containing 1; plus strand). Cytogenetic location: 10p14.
Variant type: single nucleotide variant.
Coding change: c.1293G>C on transcript NM_018706.7 (MANE Select); coding-DNA position 1293, G replaced by C.
Protein change: p.Arg431Ser; replaces arginine 431 with serine.
Molecular consequence: missense variant.
Genome position (GRCh38, 1-based): chr10:12,094,206, G>C. VCF-style: chr10-12094206-G-C. GRCh37 (hg19) VCF-style: chr10-12136205-G-C.
Other names: short protein forms R431S.
Identifiers: ClinVar variation 3665967 (VCV003665967.2).